The following is an entry in ClinVar:

ClinVar aggregate classification (germline): Conflicting classifications of pathogenicity. Review status: criteria provided, conflicting classifications (1 of 4 stars). 4 submissions from 4 submitters: Uncertain significance (2); Benign (1); Likely benign (1). Last evaluated 2023-08-10.

Conditions:
Collagen 6-related myopathy. Identifiers: MedGen CN117976, MONDO:0100225.
Bethlem myopathy 1A. Also called: Bethlem myopathy 1; MYOPATHY, BENIGN CONGENITAL, WITH CONTRACTURES; Bethlem Muscular Dystrophy. Identifiers: Orphanet 610, MedGen CN029274, MONDO:0024530, OMIM 158810.

Allele frequency attached by ClinVar (database versions not stated): TOPMed 0.00003; ESP Exome Variant Server 0.00008; gnomAD 0.00001; ExAC 0.00002; gnomAD exomes 0.00003.
gnomAD v4.1: 18 of 1,614,068 alleles (0.0011%); highest among the groups gnomAD compares: East Asian, 0.013%; no homozygotes.

Submissions (4):

Labcorp Genetics (formerly Invitae), Labcorp
Classification: Benign for Bethlem myopathy 1A. Last evaluated: 2023-08-10. Review status: criteria provided, single submitter. Criteria: Invitae Variant Classification Sherloc (09022015). Collection method: clinical testing. Allele origin: germline.

Revvity Omics, Revvity
Classification: Uncertain significance. Last evaluated: 2021-12-23. Review status: criteria provided, single submitter. Criteria: ACMG Guidelines, 2015. Collection method: clinical testing. Allele origin: germline.

Illumina Laboratory Services, Illumina
Classification: Likely benign for Collagen VI-related myopathy. Last evaluated: 2018-01-13. Review status: criteria provided, single submitter. Criteria: ICSL Variant Classification Criteria 13 December 2019. Collection method: clinical testing. Allele origin: germline.
Comment: This variant was observed in the ICSL laboratory as part of a predisposition screen in an ostensibly healthy population. It had not been previously curated by ICSL or reported in the Human Gene Mutation Database (HGMD: prior to June 1st, 2018), and was therefore a candidate for classification through an automated scoring system. Utilizing variant allele frequency, disease prevalence and penetrance estimates, and inheritance mode, an automated score was calculated to assess if this variant is too frequent to cause the disease. Based on the score and internal cut-off values, a variant classified as likely benign is not then subjected to further curation. The score for this variant resulted in a classification of likely benign for this disease.

Eurofins Ntd Llc (ga)
Classification: Uncertain significance. Last evaluated: 2017-11-27. Review status: criteria provided, single submitter. Criteria: EGL Classification Definitions 2015. Collection method: clinical testing. Allele origin: germline. Observed: 1 variant allele, 1 heterozygote.

NM_004369.4(COL6A3):c.2845G>A (p.Ala949Thr)

Gene: COL6A3 (collagen type VI alpha 3 chain; minus strand). Cytogenetic location: 2q37.3.
Variant type: single nucleotide variant.
Coding change: c.2845G>A on transcript NM_004369.4 (MANE Select); coding-DNA position 2845, G replaced by A.
Protein change: p.Ala949Thr; replaces alanine 949 with threonine.
Molecular consequence: missense variant.
Genome position (GRCh38, 1-based): chr2:237,376,997, C>T on the plus strand (G>A on the coding strand, the complement: COL6A3 is on the minus strand). VCF-style: chr2-237376997-C-T. GRCh37 (hg19) VCF-style: chr2-238285640-C-T.
Other names: c.1624G>A, p.Ala542Thr (NM_057164.5); c.2227G>A, p.Ala743Thr (NM_057165.5, NM_057167.4); c.1024G>A, p.Ala342Thr (NM_057166.5); short protein forms A949T, A342T, A542T, A743T.
Identifiers: ClinVar variation 569748 (VCV000569748.18), dbSNP rs374960915, ClinGen allele CA2189314.
Genomic context (GRCh38, chr2:237,376,997, plus strand): 5'-CAACCCCACTCTGCTTCAGGTTACTTGCTGGCCCATCCACACGGTCAGATGACCTTCCTG[C>T]GACCAGCAGCACCAGGAACTGAAGCACTCCATCCTCGATCCGGCTGCCAGCAGACTTCAC-3'
Protein context (NP_004360.2, residues 939-959): GVLQFLVLLV[Ala949Thr]GRSSDRVDGP